The following is an entry in ClinVar:

ClinVar aggregate classification (germline): Uncertain significance (1 of 4 stars; one submission).

Conditions:
Immunodeficiency 18 (IMD18). Also called: CD3-EPSILON DEFICIENCY; CD3epsilon deficiency. Identifiers: MedGen C3810127, MONDO:0014278, OMIM 615615.

Allele frequency attached by ClinVar (database versions not stated): TOPMed below 0.00001.
gnomAD v4.1: 5 of 1,606,686 alleles (0.00031%); highest among the groups gnomAD compares: Admixed American, 0.0033%; no homozygotes.

Submission:

Labcorp Genetics (formerly Invitae), Labcorp
Classification: Uncertain significance for Immunodeficiency 18. Last evaluated: 2022-07-05. Review status: criteria provided, single submitter. Criteria: Invitae Variant Classification Sherloc (09022015). Collection method: clinical testing. Allele origin: germline.
Comment: This sequence change replaces tryptophan, which is neutral and slightly polar, with leucine, which is neutral and non-polar, at codon 20 of the CD3E protein (p.Trp20Leu). This variant is not present in population databases (gnomAD no frequency). This variant has not been reported in the literature in individuals affected with CD3E-related conditions. ClinVar contains an entry for this variant (Variation ID: 1408843). Algorithms developed to predict the effect of missense changes on protein structure and function (SIFT, PolyPhen-2, Align-GVGD) all suggest that this variant is likely to be tolerated. In summary, the available evidence is currently insufficient to determine the role of this variant in disease. Therefore, it has been classified as a Variant of Uncertain Significance.

NM_000733.4(CD3E):c.59G>T (p.Trp20Leu)

Gene: CD3E (CD3 epsilon subunit of T-cell receptor complex; plus strand). Cytogenetic location: 11q23.3.
Variant type: single nucleotide variant.
Coding change: c.59G>T on transcript NM_000733.4 (MANE Select); coding-DNA position 59, G replaced by T.
Protein change: p.Trp20Leu; replaces tryptophan 20 with leucine.
Molecular consequence: missense variant.
Genome position (GRCh38, 1-based): chr11:118,307,297, G>T. VCF-style: chr11-118307297-G-T. GRCh37 (hg19) VCF-style: chr11-118178012-G-T.
Other names: short protein forms W20L.
Identifiers: ClinVar variation 1408843 (VCV001408843.3), dbSNP rs914391006, ClinGen allele CA229497380.